The following is an entry in ClinVar:

NM_016525.5(UBAP1):c.1189G>A (p.Glu397Lys)

Gene: UBAP1 (ubiquitin associated protein 1; plus strand). Cytogenetic location: 9p13.3.
Variant type: single nucleotide variant.
Coding change: c.1189G>A on transcript NM_016525.5 (MANE Select); coding-DNA position 1189, G replaced by A.
Protein change: p.Glu397Lys; replaces glutamic acid 397 with lysine.
Molecular consequence: missense variant. On other transcripts: non-coding transcript variant (1).
Genome position (GRCh38, 1-based): chr9:34,249,884, G>A. VCF-style: chr9-34249884-G-A. GRCh37 (hg19) VCF-style: chr9-34249882-G-A.
Other names: c.1381G>A, p.Glu461Lys (NM_001171201.1); c.1297G>A, p.Glu433Lys (NM_001171202.1); c.1189G>A, p.Glu397Lys (NM_001171203.3, NM_001171204.3); short protein forms E397K, E433K, E461K.
Identifiers: ClinVar variation 3040333 (VCV003040333.2), dbSNP rs138812386, ClinGen allele CA5031470.

ClinVar aggregate classification (germline): Benign (0 of 4 stars; one submission).

Conditions:
UBAP1-related disorder. Also called: UBAP1-related condition.

Allele frequency attached by ClinVar (database versions not stated): gnomAD exomes 0.00011; TOPMed 0.00018; gnomAD 0.00022; ExAC 0.00038; 1000 Genomes Project 30x 0.00094; 1000 Genomes Project 0.00100.
gnomAD v4.1: 202 of 1,614,088 alleles (0.013%); highest among the groups gnomAD compares: East Asian, 0.41%; 1 homozygote.

Submission:

PreventionGenetics, part of Exact Sciences
Classification: Benign for UBAP1-related condition. Last evaluated: 2019-11-26. Review status: no assertion criteria provided. Collection method: clinical testing. Allele origin: germline.
Comment: This variant is classified as benign based on ACMG/AMP sequence variant interpretation guidelines (Richards et al. 2015 PMID: 25741868, with internal and published modifications).